The following is an entry in ClinVar:

ClinVar aggregate classification (germline): Conflicting classifications of pathogenicity. Review status: criteria provided, conflicting classifications (1 of 4 stars). 3 submissions from 3 submitters: Uncertain significance (2); Likely benign (1). Last evaluated 2024-09-29.

Conditions:
Inborn genetic diseases. Identifiers: MedGen C0950123, MeSH D030342.

Allele frequency attached by ClinVar (database versions not stated): gnomAD exomes 0.00001; TOPMed 0.00001.

Submissions (3):

Labcorp Genetics (formerly Invitae), Labcorp
Classification: Uncertain significance. Last evaluated: 2024-09-29. Review status: criteria provided, single submitter. Criteria: Invitae Variant Classification Sherloc (09022015). Collection method: clinical testing. Allele origin: germline.
Comment: This sequence change replaces alanine, which is neutral and non-polar, with glutamic acid, which is acidic and polar, at codon 16 of the NEFH protein (p.Ala16Glu). This variant is not present in population databases (gnomAD no frequency). This variant has not been reported in the literature in individuals affected with NEFH-related conditions. Invitae Evidence Modeling of protein sequence and biophysical properties (such as structural, functional, and spatial information, amino acid conservation, physicochemical variation, residue mobility, and thermodynamic stability) indicates that this missense variant is not expected to disrupt NEFH protein function with a negative predictive value of 95%. In summary, the available evidence is currently insufficient to determine the role of this variant in disease. Therefore, it has been classified as a Variant of Uncertain Significance.

Women's Health and Genetics/Laboratory Corporation of America, LabCorp
Classification: Uncertain significance. Last evaluated: 2024-03-12. Review status: criteria provided, single submitter. Criteria: LabCorp Variant Classification Summary - May 2015. Collection method: clinical testing. Allele origin: germline.
Comment: Variant summary: NEFH c.47C>A (p.Ala16Glu) results in a non-conservative amino acid change in the encoded protein sequence. Four of five in-silico tools predict a benign effect of the variant on protein function. The frequency data for this variant in gnomAD is considered unreliable, as metrics indicate poor data quality at this position. To our knowledge, no occurrence of c.47C>A in individuals affected with Charcot-Marie Tooth Disease, Axonal, Type 2CC and no experimental evidence demonstrating its impact on protein function have been reported. No submitters have cited clinical-significance assessments for this variant to ClinVar. Based on the evidence outlined above, the variant was classified as uncertain significance.

Ambry Genetics
Classification: Likely benign for Inborn genetic diseases. Last evaluated: 2023-11-15. Review status: criteria provided, single submitter. Criteria: Ambry Variant Classification Scheme 2023. Collection method: clinical testing. Allele origin: germline.

NM_021076.4(NEFH):c.47C>A (p.Ala16Glu)

Gene: NEFH (neurofilament heavy chain; plus strand). Cytogenetic location: 22q12.2.
Variant type: single nucleotide variant.
Coding change: c.47C>A on transcript NM_021076.4 (MANE Select); coding-DNA position 47, C replaced by A.
Protein change: p.Ala16Glu; replaces alanine 16 with glutamic acid.
Molecular consequence: missense variant.
Genome position (GRCh38, 1-based): chr22:29,480,309, C>A. VCF-style: chr22-29480309-C-A. GRCh37 (hg19) VCF-style: chr22-29876298-C-A.
Other names: short protein forms A16E.
Identifiers: ClinVar variation 3191035 (VCV003191035.5), dbSNP rs1468605569, ClinGen allele CA411121029.